The following is an entry in ClinVar:

ClinVar aggregate classification (germline): Benign (0 of 4 stars; one submission).

Conditions:
COL15A1-related disorder. Also called: COL15A1-related condition.

Allele frequency attached by ClinVar (database versions not stated): ESP Exome Variant Server 0.00023; TOPMed 0.00054; gnomAD 0.00080; gnomAD exomes 0.00121; ExAC 0.00232; 1000 Genomes Project 30x 0.00468; 1000 Genomes Project 0.00519.
gnomAD v4.1: 1,910 of 1,614,204 alleles (0.12%); highest among the groups gnomAD compares: South Asian, 1.2%; 30 homozygotes.

Submission:

PreventionGenetics, part of Exact Sciences
Classification: Benign for COL15A1-related condition. Last evaluated: 2019-07-23. Review status: no assertion criteria provided. Collection method: clinical testing. Allele origin: germline.
Comment: This variant is classified as benign based on ACMG/AMP sequence variant interpretation guidelines (Richards et al. 2015 PMID: 25741868, with internal and published modifications).

NM_001855.5(COL15A1):c.3204G>A (p.Gly1068=)

Gene: COL15A1 (collagen type XV alpha 1 chain; plus strand). Cytogenetic location: 9q22.33.
Variant type: single nucleotide variant.
Coding change: c.3204G>A on transcript NM_001855.5 (MANE Select); coding-DNA position 3204, G replaced by A.
Protein change: p.Gly1068=; no amino-acid change (glycine 1068 retained).
Molecular consequence: synonymous variant.
Genome position (GRCh38, 1-based): chr9:99,056,271, G>A. VCF-style: chr9-99056271-G-A. GRCh37 (hg19) VCF-style: chr9-101818553-G-A.
Identifiers: ClinVar variation 3050418 (VCV003050418.2), dbSNP rs199676435, ClinGen allele CA5155800.